The following is an entry in ClinVar:

ClinVar aggregate classification (germline): Likely pathogenic (1 of 4 stars; one submission).

Conditions:
Nemaline myopathy 2 (NEM2). Also called: Nemaline myopathy 2, autosomal recessive. Identifiers: MedGen C1850569, MONDO:0009725, OMIM 256030.

Submission:

Myriad Genetics, Inc.
Classification: Likely pathogenic for Nemaline myopathy 2. Last evaluated: 2022-03-31. Review status: criteria provided, single submitter. Criteria: Myriad Women's Health Autosomal Recessive and X-Linked Classification Criteria (2021). Collection method: clinical testing. Allele origin: unknown.
Comment: NM_001271208.1(NEB):c.22588A>T(K7530*) is expected to be pathogenic in the context of NEB-related nemaline myopathy. This variant is predicted to lead to an abnormal or absent protein product due to the creation of a premature termination codon in NEB, a gene where loss-of-function variants are known to be pathogenic. Please note: this variant was assessed in the context of healthy population screening.

NM_001164508.2(NEB):c.22483A>T (p.Lys7495Ter)

Genes: NEB (nebulin; minus strand), RIF1 (replication timing regulatory factor 1; plus strand). Cytogenetic location: 2q23.3.
Variant type: single nucleotide variant.
Coding change: c.22483A>T on transcript NM_001164508.2 (MANE Select); coding-DNA position 22483, A replaced by T.
Protein change: p.Lys7495Ter; replaces lysine 7495 with a stop codon.
Molecular consequence: nonsense.
Genome position (GRCh38, 1-based): chr2:151,519,765, T>A on the plus strand (A>T on the coding strand, the complement: NEB is on the minus strand). VCF-style: chr2-151519765-T-A. GRCh37 (hg19) VCF-style: chr2-152376279-T-A.
Other names: c.22483A>T, p.Lys7495Ter (NM_001164507.2); c.22588A>T, p.Lys7530Ter (NM_001271208.2); c.17380A>T, p.Lys5794Ter (NM_004543.5); short protein forms K5794*, K7495*, K7530*.
Identifiers: ClinVar variation 1725773 (VCV001725773.2), dbSNP rs2552093086, ClinGen allele CA348762180.